The following is an entry in ClinVar:

ClinVar aggregate classification (germline): Uncertain significance (1 of 4 stars; one submission).

Conditions:
Hereditary cancer-predisposing syndrome. Also called: Neoplastic Syndromes, Hereditary; Tumor predisposition; Hereditary neoplastic syndrome; Hereditary Cancer Syndrome. Identifiers: Orphanet 140162, MedGen C0027672, MeSH D009386, MONDO:0015356.

Submission:

Ambry Genetics
Classification: Uncertain significance for Hereditary cancer-predisposing syndrome. Last evaluated: 2023-01-27. Review status: criteria provided, single submitter. Criteria: Ambry Variant Classification Scheme 2023. Collection method: clinical testing. Allele origin: germline.
Comment: The p.S1723L variant (also known as c.5168C>T), located in coding exon 40 of the TSC2 gene, results from a C to T substitution at nucleotide position 5168. The serine at codon 1723 is replaced by leucine, an amino acid with dissimilar properties. This amino acid position is highly conserved in available vertebrate species. In addition, this alteration is predicted to be deleterious by in silico analysis. Since supporting evidence is limited at this time, the clinical significance of this alteration remains unclear.

NM_000548.5(TSC2):c.5168C>T (p.Ser1723Leu)

Gene: TSC2 (TSC complex subunit 2; plus strand). Cytogenetic location: 16p13.3.
Variant type: single nucleotide variant.
Coding change: c.5168C>T on transcript NM_000548.5 (MANE Select); coding-DNA position 5168, C replaced by T.
Protein change: p.Ser1723Leu; replaces serine 1723 with leucine.
Molecular consequence: missense variant. On other transcripts: non-coding transcript variant (5), intron variant (1).
Genome position (GRCh38, 1-based): chr16:2,088,234, C>T. VCF-style: chr16-2088234-C-T. GRCh37 (hg19) VCF-style: chr16-2138235-C-T.
Other names: c.4967C>T, p.Ser1656Leu (NM_001077183.3); c.5099C>T, p.Ser1700Leu (NM_001114382.3); c.4859C>T, p.Ser1620Leu (NM_001318827.2); c.4823C>T, p.Ser1608Leu (NM_001318829.2); c.4436C>T, p.Ser1479Leu (NM_001318831.2); c.5000C>T, p.Ser1667Leu (NM_001318832.2); c.4970C>T, p.Ser1657Leu (NM_001363528.2); c.5036C>T, p.Ser1679Leu (NM_001370404.1); and 27 more; short protein forms S1209L, S1456L, S1457L, S1686L, S1697L, S1700L, S1723L, S1208L.
Identifiers: ClinVar variation 2449978 (VCV002449978.2), dbSNP rs1060499676, ClinGen allele CA394313901.